The following is an entry in ClinVar:

ClinVar aggregate classification (germline): Uncertain significance (1 of 4 stars; one submission).

Allele frequency attached by ClinVar (database versions not stated): ExAC 0.00001; TOPMed 0.00001; gnomAD exomes 0.00003.
gnomAD v4.1: 39 of 1,614,108 alleles (0.0024%); highest among the groups gnomAD compares: Non-Finnish European, 0.0033%; no homozygotes.

Submission:

Labcorp Genetics (formerly Invitae), Labcorp
Classification: Uncertain significance. Last evaluated: 2022-09-27. Review status: criteria provided, single submitter. Criteria: Invitae Variant Classification Sherloc (09022015). Collection method: clinical testing. Allele origin: germline.
Comment: In summary, the available evidence is currently insufficient to determine the role of this variant in disease. Therefore, it has been classified as a Variant of Uncertain Significance. Algorithms developed to predict the effect of missense changes on protein structure and function are either unavailable or do not agree on the potential impact of this missense change (SIFT: "Deleterious"; PolyPhen-2: "Probably Damaging"; Align-GVGD: "Class C0"). This variant has not been reported in the literature in individuals affected with NEK2-related conditions. This variant is present in population databases (rs770318535, gnomAD 0.0009%). This sequence change replaces aspartic acid, which is acidic and polar, with asparagine, which is neutral and polar, at codon 141 of the NEK2 protein (p.Asp141Asn).

NM_002497.4(NEK2):c.421G>A (p.Asp141Asn)

Gene: NEK2 (NIMA related kinase 2; minus strand). Cytogenetic location: 1q32.3.
Variant type: single nucleotide variant.
Coding change: c.421G>A on transcript NM_002497.4 (MANE Select); coding-DNA position 421, G replaced by A.
Protein change: p.Asp141Asn; replaces aspartic acid 141 with asparagine.
Molecular consequence: missense variant.
Genome position (GRCh38, 1-based): chr1:211,673,617, C>T on the plus strand (G>A on the coding strand, the complement: NEK2 is on the minus strand). VCF-style: chr1-211673617-C-T. GRCh37 (hg19) VCF-style: chr1-211846959-C-T.
Other names: c.421G>A, p.Asp141Asn (NM_001204182.2, NM_001204183.2); short protein forms D141N.
Identifiers: ClinVar variation 1923007 (VCV001923007.5), dbSNP rs770318535, ClinGen allele CA1381690.